The following is an entry in ClinVar:

NM_006218.4(PIK3CA):c.932T>G (p.Ile311Ser)

Gene: PIK3CA (phosphatidylinositol-4,5-bisphosphate 3-kinase catalytic subunit alpha; plus strand). Cytogenetic location: 3q26.32.
Variant type: single nucleotide variant.
Coding change: c.932T>G on transcript NM_006218.4 (MANE Select); coding-DNA position 932, T replaced by G.
Protein change: p.Ile311Ser; replaces isoleucine 311 with serine.
Molecular consequence: missense variant.
Genome position (GRCh38, 1-based): chr3:179,203,662, T>G. VCF-style: chr3-179203662-T-G. GRCh37 (hg19) VCF-style: chr3-178921450-T-G.
Other names: short protein forms I311S.
Identifiers: ClinVar variation 1766597 (VCV001766597.2), dbSNP rs2108392942, ClinGen allele CA355280518.

ClinVar aggregate classification (germline): Uncertain significance (1 of 4 stars; one submission).

Conditions:
Inborn genetic diseases. Identifiers: MedGen C0950123, MeSH D030342.

Submission:

Ambry Genetics
Classification: Uncertain significance for Inborn genetic diseases. Last evaluated: 2022-09-13. Review status: criteria provided, single submitter. Criteria: Ambry Variant Classification Scheme 2023. Collection method: clinical testing. Allele origin: germline.
Comment: The p.I311S variant (also known as c.932T>G), located in coding exon 4 of the PIK3CA gene, results from a T to G substitution at nucleotide position 932. The isoleucine at codon 311 is replaced by serine, an amino acid with dissimilar properties. This amino acid position is conserved. In addition, this alteration is predicted to be deleterious by in silico analysis. Since supporting evidence is limited at this time, the clinical significance of this alteration remains unclear.